The following is an entry in ClinVar:

ClinVar aggregate classification (germline): Likely benign (1 of 4 stars; one submission).

Allele frequency attached by ClinVar (database versions not stated): ExAC 0.00002; gnomAD 0.00003; TOPMed 0.00004; gnomAD exomes 0.00005.
gnomAD v4.1: 57 of 1,203,359 alleles (0.0047%); highest among the groups gnomAD compares: East Asian, 0.0059%; no homozygotes.

Submission:

CeGaT Center for Human Genetics Tuebingen
Classification: Likely benign. Last evaluated: 2022-10-01. Review status: criteria provided, single submitter. Criteria: CeGaT Center For Human Genetics Tuebingen Variant Classification Criteria Version 2. Collection method: clinical testing. Allele origin: germline. Affected: yes. Observed: 1 variant allele.
Comment: ABCB7: BP4, BP7

NM_001271696.3(ABCB7):c.867C>T (p.Cys289=)

Gene: ABCB7 (ATP binding cassette subfamily B member 7; minus strand). Cytogenetic location: Xq13.3.
Variant type: single nucleotide variant.
Coding change: c.867C>T on transcript NM_001271696.3 (MANE Select); coding-DNA position 867, C replaced by T.
Protein change: p.Cys289=; no amino-acid change (cysteine 289 retained).
Molecular consequence: synonymous variant.
Genome position (GRCh38, 1-based): chrX:75,073,945, G>A on the plus strand (C>T on the coding strand, the complement: ABCB7 is on the minus strand). VCF-style: chrX-75073945-G-A. GRCh37 (hg19) VCF-style: chrX-74293780-G-A.
Other names: c.747C>T, p.Cys249= (NM_001271697.3); c.789C>T, p.Cys263= (NM_001271698.3); c.750C>T, p.Cys250= (NM_001271699.3); c.870C>T, p.Cys290= (NM_004299.6).
Identifiers: ClinVar variation 2660940 (VCV002660940.24), dbSNP rs769487666, ClinGen allele CA10455458.